The following is an entry in ClinVar:

ClinVar aggregate classification (germline): Likely benign. Review status: criteria provided, multiple submitters, no conflicts (2 of 4 stars). 5 submissions from 4 submitters: Likely benign (4). 1 of the submissions does not count toward it. Last evaluated 2026-01-06.

Conditions:
Retinitis pigmentosa 39 (RP39). Identifiers: Orphanet 791, MedGen C3151138, MONDO:0013436, OMIM 613809.
Usher syndrome type 2A. Also called: USHER SYNDROME, TYPE IIA; RETINAL DISEASE IN USHER SYNDROME TYPE IIA, MODIFIER OF. Identifiers: Orphanet 231178, Orphanet 886, MedGen C1848634, MONDO:0010169, OMIM 276901.

Allele frequency attached by ClinVar (database versions not stated): gnomAD below 0.00001 and 0.00002; TOPMed 0.00001; gnomAD exomes 0.00003; ExAC 0.00005; 1000 Genomes Project 30x 0.00016; 1000 Genomes Project 0.00020.
gnomAD v4.1: 38 of 1,613,900 alleles (0.0024%); highest among the groups gnomAD compares: South Asian, 0.036%; no homozygotes.

Submissions (5):

Labcorp Genetics (formerly Invitae), Labcorp
Classification: Likely benign. Last evaluated: 2026-01-06. Review status: criteria provided, single submitter. Criteria: Invitae Variant Classification Sherloc (09022015). Collection method: clinical testing. Allele origin: germline.

Genome-Nilou Lab
Classification: Likely benign for Retinitis pigmentosa 39. Last evaluated: 2023-11-04. Review status: criteria provided, single submitter. Criteria: ACMG Guidelines, 2015. Collection method: clinical testing. Allele origin: germline. Affected: no.

Genome-Nilou Lab
Classification: Likely benign for Usher syndrome type 2A. Last evaluated: 2023-11-04. Review status: criteria provided, single submitter. Criteria: ACMG Guidelines, 2015. Collection method: clinical testing. Allele origin: germline. Affected: no.

Laboratory for Molecular Medicine, Mass General Brigham Personalized Medicine
Classification: Likely benign. Last evaluated: 2017-08-23. Review status: criteria provided, single submitter. Criteria: LMM Criteria. Collection method: clinical testing. Allele origin: germline. Observed: 1 variant allele.
Comment: p.Leu2542Leu in exon 41 of USH2A: This variant is not expected to have clinical significance because it does not alter an amino acid residue and is not located within the splice consensus sequence. It has been identified in 0.04% (6/16462) of South Asian chromosomes by the Exome Aggregation Consortium (ExAC; dbSNP rs577063450).

Natera, Inc.
Classification: Likely benign for Usher syndrome type 2A. Last evaluated: 2020-02-07. Review status: no assertion criteria provided. Collection method: clinical testing. Allele origin: germline. Not counted in ClinVar's aggregate classification.

NM_206933.4(USH2A):c.7626G>C (p.Leu2542=)

Gene: USH2A (usherin; minus strand). Cytogenetic location: 1q41.
Variant type: single nucleotide variant.
Coding change: c.7626G>C on transcript NM_206933.4 (MANE Select); coding-DNA position 7626, G replaced by C.
Protein change: p.Leu2542=; no amino-acid change (leucine 2542 retained).
Molecular consequence: synonymous variant.
Genome position (GRCh38, 1-based): chr1:215,889,023, C>G on the plus strand (G>C on the coding strand, the complement: USH2A is on the minus strand). VCF-style: chr1-215889023-C-G. GRCh37 (hg19) VCF-style: chr1-216062365-C-G.
Identifiers: ClinVar variation 667182 (VCV000667182.16), dbSNP rs577063450, ClinGen allele CA1394771.